The following is an entry in ClinVar:

ClinVar aggregate classification (germline): Uncertain significance (1 of 4 stars; one submission).

Conditions:
Thrombophilia due to protein C deficiency, autosomal dominant. Also called: PROC DEFICIENCY, AUTOSOMAL DOMINANT; PROTEIN C DEFICIENCY, AUTOSOMAL DOMINANT. Identifiers: Orphanet 745, MedGen C2674321, MONDO:0008316, OMIM 176860. Disease mechanism: loss of function.

Allele frequency attached by ClinVar (database versions not stated): gnomAD exomes 0.00001; ExAC 0.00004.
gnomAD v4.1: 6 of 1,613,218 alleles (0.00037%); highest among the groups gnomAD compares: Non-Finnish European, 0.00051%; no homozygotes.

Submission:

Labcorp Genetics (formerly Invitae), Labcorp
Classification: Uncertain significance for Thrombophilia due to protein C deficiency, autosomal dominant. Last evaluated: 2022-05-04. Review status: criteria provided, single submitter. Criteria: Invitae Variant Classification Sherloc (09022015). Collection method: clinical testing. Allele origin: germline.
Comment: In summary, the available evidence is currently insufficient to determine the role of this variant in disease. Therefore, it has been classified as a Variant of Uncertain Significance. Algorithms developed to predict the effect of missense changes on protein structure and function (SIFT, PolyPhen-2, Align-GVGD) all suggest that this variant is likely to be tolerated. This variant has not been reported in the literature in individuals affected with PROC-related conditions. This variant is present in population databases (rs201399407, gnomAD 0.004%). This sequence change replaces glutamic acid, which is acidic and polar, with alanine, which is neutral and non-polar, at codon 399 of the PROC protein (p.Glu399Ala).

NM_000312.4(PROC):c.1196A>C (p.Glu399Ala)

Gene: PROC (protein C, inactivator of coagulation factors Va and VIIIa; plus strand). Cytogenetic location: 2q14.3.
Variant type: single nucleotide variant.
Coding change: c.1196A>C on transcript NM_000312.4 (MANE Select); coding-DNA position 1196, A replaced by C.
Protein change: p.Glu399Ala; replaces glutamic acid 399 with alanine.
Molecular consequence: missense variant.
Genome position (GRCh38, 1-based): chr2:127,428,756, A>C. VCF-style: chr2-127428756-A-C. GRCh37 (hg19) VCF-style: chr2-128186332-A-C.
Other names: c.1379A>C, p.Glu460Ala (NM_001375602.1); c.1361A>C, p.Glu454Ala (NM_001375603.1); c.1259A>C, p.Glu420Ala (NM_001375604.1); c.1298A>C, p.Glu433Ala (NM_001375605.1); c.1364A>C, p.Glu455Ala (NM_001375606.1); c.1382A>C, p.Glu461Ala (NM_001375607.1); c.1139A>C, p.Glu380Ala (NM_001375608.1); c.1172A>C, p.Glu391Ala (NM_001375609.1); and 2 more; short protein forms E380A, E454A, E460A, E397A, E399A, E461A, E420A, E455A.
Identifiers: ClinVar variation 2147257 (VCV002147257.4), dbSNP rs201399407, ClinGen allele CA1859544.
Genomic context (GRCh38, chr2:127,428,756, plus strand): 5'-ACATGGTGTCTGAGAACATGCTGTGTGCGGGCATCCTCGGGGACCGGCAGGATGCCTGCG[A>C]GGGCGACAGTGGGGGGCCCATGGTCGCCTCCTTCCACGGCACCTGGTTCCTGGTGGGCCT-3'
Protein context (NP_000303.1, residues 389-409): GILGDRQDAC[Glu399Ala]GDSGGPMVAS